The following is an entry in ClinVar:

ClinVar aggregate classification (germline): Uncertain significance. Review status: criteria provided, multiple submitters, no conflicts (2 of 4 stars). 4 submissions from 4 submitters: Uncertain significance (4). Last evaluated 2024-03-07.

Conditions:
Hereditary cancer-predisposing syndrome. Also called: Hereditary neoplastic syndrome; Neoplastic Syndromes, Hereditary; Tumor predisposition; Hereditary Cancer Syndrome. Identifiers: Orphanet 140162, MedGen C0027672, MeSH D009386, MONDO:0015356.
Ataxia-telangiectasia syndrome (AT). Also called: ATAXIA-TELANGIECTASIA, FRESNO VARIANT; Ataxia-telangiectasia, complementation group D; AT, COMPLEMENTATION GROUP C; Cerebello-oculocutaneous telangiectasia; Immunodeficiency with ataxia telangiectasia; Ataxia telangiectasia (A-T). Identifiers: Orphanet 100, MedGen C0004135, MONDO:0008840, OMIM 208900.

Submissions (4):

Color Diagnostics, LLC DBA Color Health
Classification: Uncertain significance for Hereditary cancer-predisposing syndrome. Last evaluated: 2024-03-07. Review status: criteria provided, single submitter. Criteria: ACMG Guidelines, 2015. Collection method: clinical testing. Allele origin: germline.
Comment: This missense variant replaces aspartic acid with asparagine at codon 181 of the ATM protein. Computational prediction suggests that this variant may not impact protein structure and function (internally defined REVEL score threshold <= 0.5, PMID: 27666373). To our knowledge, functional studies have not been reported for this variant. This variant has not been reported in individuals affected with hereditary cancer in the literature. This variant has not been identified in the general population by the Genome Aggregation Database (gnomAD). The available evidence is insufficient to determine the role of this variant in disease conclusively. Therefore, this variant is classified as a Variant of Uncertain Significance.

Labcorp Genetics (formerly Invitae), Labcorp
Classification: Uncertain significance for Ataxia-telangiectasia syndrome. Last evaluated: 2023-08-28. Review status: criteria provided, single submitter. Criteria: Invitae Variant Classification Sherloc (09022015). Collection method: clinical testing. Allele origin: germline.
Comment: This sequence change replaces aspartic acid, which is acidic and polar, with asparagine, which is neutral and polar, at codon 181 of the ATM protein (p.Asp181Asn). This variant is not present in population databases (gnomAD no frequency). This variant has not been reported in the literature in individuals affected with ATM-related conditions. ClinVar contains an entry for this variant (Variation ID: 1025720). An algorithm developed to predict the effect of missense changes on protein structure and function (PolyPhen-2) suggests that this variant is likely to be tolerated. RNA analysis performed to evaluate the impact of this missense change on mRNA splicing indicates it does not significantly alter splicing (Invitae). In summary, the available evidence is currently insufficient to determine the role of this variant in disease. Therefore, it has been classified as a Variant of Uncertain Significance.

Ambry Genetics
Classification: Uncertain significance for Hereditary cancer-predisposing syndrome. Last evaluated: 2022-11-11. Review status: criteria provided, single submitter. Criteria: Ambry Variant Classification Scheme 2023. Collection method: clinical testing. Allele origin: germline.
Comment: The p.D181N variant (also known as c.541G>A), located in coding exon 5 of the ATM gene, results from a G to A substitution at nucleotide position 541. The aspartic acid at codon 181 is replaced by asparagine, an amino acid with highly similar properties. This amino acid position is not well conserved in available vertebrate species. In addition, this alteration is predicted to be tolerated by in silico analysis. Since supporting evidence is limited at this time, the clinical significance of this alteration remains unclear.

Clinical Genetics Laboratory, Skane University Hospital Lund
Classification: Uncertain significance. Last evaluated: 2022-06-21. Review status: criteria provided, single submitter. Criteria: ACMG Guidelines, 2015. Collection method: clinical testing. Allele origin: germline. Affected: yes.

NM_000051.4(ATM):c.541G>A (p.Asp181Asn)

Gene: ATM (ATM serine/threonine kinase; plus strand). Cytogenetic location: 11q22.3.
Variant type: single nucleotide variant.
Coding change: c.541G>A on transcript NM_000051.4 (MANE Select); coding-DNA position 541, G replaced by A.
Protein change: p.Asp181Asn; replaces aspartic acid 181 with asparagine.
Molecular consequence: missense variant.
Genome position (GRCh38, 1-based): chr11:108,243,997, G>A. VCF-style: chr11-108243997-G-A. GRCh37 (hg19) VCF-style: chr11-108114724-G-A.
Other names: c.541G>A, p.Asp181Asn (NM_001351834.2); short protein forms D181N.
Identifiers: ClinVar variation 1025720 (VCV001025720.11), dbSNP rs2079698928, ClinGen allele CA382527640.